The following is an entry in ClinVar:

ClinVar aggregate classification (germline): Uncertain significance. Review status: criteria provided, multiple submitters, no conflicts (2 of 4 stars). 3 submissions from 3 submitters: Uncertain significance (3). Last evaluated 2026-09-19.

Conditions:
POR-related disorder. Also called: POR-related condition.
Congenital adrenal hyperplasia due to cytochrome P450 oxidoreductase deficiency. Also called: DISORDERED STEROIDOGENESIS DUE TO POR DEFICIENCY. Identifiers: Orphanet 95699, MedGen C1860042, MONDO:0013310, OMIM 613571.

Allele frequency attached by ClinVar (database versions not stated): 1000 Genomes Project 0.00020; 1000 Genomes Project 30x 0.00031; gnomAD exomes 0.00001 and 0.00009; gnomAD 0.00002 and 0.00003; TOPMed 0.00003; ExAC 0.00007.
gnomAD v4.1: 23 of 1,550,674 alleles (0.0015%); highest among the groups gnomAD compares: Admixed American, 0.038%; no homozygotes.

Submissions (3):

PreventionGenetics, part of Exact Sciences
Classification: Uncertain significance for POR-related condition. Last evaluated: 2026-09-19. Review status: criteria provided, single submitter. Criteria: ACMG Guidelines, 2015. Collection method: clinical testing. Allele origin: germline.
Comment: The POR c.1405C>G variant is predicted to result in the amino acid substitution p.Pro469Ala. To our knowledge, this variant has not been reported in the literature. This variant is reported in 0.056% of alleles in individuals of Latino descent in gnomAD. Although we suspect that this variant may be benign, at this time, the clinical significance of this variant is uncertain due to the absence of conclusive functional and genetic evidence.

ARUP Laboratories, Molecular Genetics and Genomics, ARUP Laboratories
Classification: Uncertain significance. Last evaluated: 2024-04-29. Review status: criteria provided, single submitter. Criteria: ARUP Molecular Germline Variant Investigation Process 2024. Collection method: clinical testing. Allele origin: germline.
Comment: The POR c.1405C>G; p.Pro469Ala variant (rs558340290), to our knowledge, is not reported in the medical literature but is reported in ClinVar (Variation ID: 811139). This variant is found in the Latino population with an overall allele frequency of 0.07% (20/29462 alleles) in the Genome Aggregation Database. Computational analyses are uncertain whether this variant is neutral or deleterious (REVEL: 0.35). Given the lack of clinical and functional data, the significance of the p.Pro469Ala variant is uncertain at this time.

Labcorp Genetics (formerly Invitae), Labcorp
Classification: Uncertain significance for Congenital adrenal hyperplasia due to cytochrome P450 oxidoreductase deficiency. Last evaluated: 2021-09-24. Review status: criteria provided, single submitter. Criteria: Invitae Variant Classification Sherloc (09022015). Collection method: clinical testing. Allele origin: germline.
Comment: This sequence change replaces proline with alanine at codon 469 of the POR protein (p.Pro469Ala). The proline residue is highly conserved and there is a small physicochemical difference between proline and alanine. This variant is present in population databases (rs558340290, ExAC 0.07%). This variant has not been reported in the literature in individuals with POR-related conditions. ClinVar contains an entry for this variant (Variation ID: 811139). Algorithms developed to predict the effect of missense changes on protein structure and function output the following: SIFT: "Deleterious"; PolyPhen-2: "Benign"; Align-GVGD: "Class C0". The alanine amino acid residue is found in multiple mammalian species, suggesting that this missense change does not adversely affect protein function. These predictions have not been confirmed by published functional studies and their clinical significance is uncertain. In summary, the available evidence is currently insufficient to determine the role of this variant in disease. Therefore, it has been classified as a Variant of Uncertain Significance.

NM_001395413.1(POR):c.1396C>G (p.Pro466Ala)

Gene: POR (cytochrome p450 oxidoreductase; plus strand). Cytogenetic location: 7q11.23.
Variant type: single nucleotide variant.
Coding change: c.1396C>G on transcript NM_001395413.1 (MANE Select); coding-DNA position 1396, C replaced by G.
Protein change: p.Pro466Ala; replaces proline 466 with alanine.
Molecular consequence: missense variant.
Genome position (GRCh38, 1-based): chr7:75,985,585, C>G. VCF-style: chr7-75985585-C-G. GRCh37 (hg19) VCF-style: chr7-75614903-C-G.
Other names: c.1405C>G (NM_000941.2); c.1396C>G, p.Pro466Ala (NM_001367562.3, NM_001382657.2, NM_001382658.3 and 1 more transcripts); c.1450C>G, p.Pro484Ala (NM_001382655.3); c.1246C>G, p.Pro416Ala (NM_001382662.3); short protein forms P416A, P466A, P484A.
Identifiers: ClinVar variation 811139 (VCV000811139.14), dbSNP rs558340290, ClinGen allele CA4304132.
Genomic context (GRCh38, chr7:75,985,585, plus strand): 5'-GGGCTGGGCAAGGGCCTCGGTGTGGCGGTGGAGCTCACACGGCCCTCCCCACAGGTCCAC[C>G]CCAACTCTGTGCACATCTGTGCGGTGGTTGTGGAGTACGAGACCAAGGCTGGCCGCATCA-3'
Protein context (NP_001382342.1, residues 456-476): YSIASSSKVH[Pro466Ala]NSVHICAVVV